The following is an entry in ClinVar:

NM_000264.5(PTCH1):c.3330C>A (p.Asp1110Glu)

Gene: PTCH1 (patched 1; minus strand). Cytogenetic location: 9q22.32.
Variant type: single nucleotide variant.
Coding change: c.3330C>A on transcript NM_000264.5 (MANE Select); coding-DNA position 3330, C replaced by A.
Protein change: p.Asp1110Glu; replaces aspartic acid 1110 with glutamic acid.
Molecular consequence: missense variant. On other transcripts: non-coding transcript variant (1).
Genome position (GRCh38, 1-based): chr9:95,453,597, G>T on the plus strand (C>A on the coding strand, the complement: PTCH1 is on the minus strand). VCF-style: chr9-95453597-G-T. GRCh37 (hg19) VCF-style: chr9-98215879-G-T.
Other names: c.3132C>A, p.Asp1044Glu (NM_001083602.3); c.3327C>A, p.Asp1109Glu (NM_001083603.3); c.2877C>A, p.Asp959Glu (NM_001083604.3, NM_001083605.3, NM_001083606.3 and 1 more transcripts); c.3174C>A, p.Asp1058Glu (NM_001354918.2); short protein forms D1058E, D959E, D1044E, D1109E, D1110E.
Identifiers: ClinVar variation 2497341 (VCV002497341.2), dbSNP rs2136632203, ClinGen allele CA374111890.
Genomic context (GRCh38, chr9:95,453,597, plus strand): 5'-GGCGCCATCCAGGACGGGTGCAAACATGTGCTCCAGGGCAAGCACAGCCCTGCGGTTCTT[G>T]TCGCCGATGGCCGTCAGAAAGGCCTGTGCAATGAGGATGTTCACAAGATCAGGTTGCTGG-3'
Protein context (NP_000255.2, residues 1100-1120): VALAFLTAIG[Asp1110Glu]KNRRAVLALE

ClinVar aggregate classification (germline): Uncertain significance (1 of 4 stars; one submission).

Conditions:
Hereditary cancer-predisposing syndrome. Also called: Neoplastic Syndromes, Hereditary; Hereditary neoplastic syndrome; Tumor predisposition; Hereditary Cancer Syndrome. Identifiers: Orphanet 140162, MedGen C0027672, MeSH D009386, MONDO:0015356.

Submission:

Ambry Genetics
Classification: Uncertain significance for Hereditary cancer-predisposing syndrome. Last evaluated: 2023-01-31. Review status: criteria provided, single submitter. Criteria: Ambry Variant Classification Scheme 2023. Collection method: clinical testing. Allele origin: germline.
Comment: The p.D1110E variant (also known as c.3330C>A), located in coding exon 20 of the PTCH1 gene, results from a C to A substitution at nucleotide position 3330. The aspartic acid at codon 1110 is replaced by glutamic acid, an amino acid with highly similar properties. This amino acid position is conserved. In addition, the in silico prediction for this alteration is inconclusive. Since supporting evidence is limited at this time, the clinical significance of this alteration remains unclear.